The following is an entry in ClinVar:

ClinVar aggregate classification (germline): Uncertain significance (1 of 4 stars; one submission).

Allele frequency attached by ClinVar (database versions not stated): TOPMed below 0.00001; gnomAD 0.00001.
gnomAD v4.1: 28 of 1,613,182 alleles (0.0017%); highest among the groups gnomAD compares: Non-Finnish European, 0.0023%; no homozygotes.

Submission:

Labcorp Genetics (formerly Invitae), Labcorp
Classification: Uncertain significance. Last evaluated: 2022-09-28. Review status: criteria provided, single submitter. Criteria: Invitae Variant Classification Sherloc (09022015). Collection method: clinical testing. Allele origin: germline.
Comment: In summary, the available evidence is currently insufficient to determine the role of this variant in disease. Therefore, it has been classified as a Variant of Uncertain Significance. Algorithms developed to predict the effect of missense changes on protein structure and function (SIFT, PolyPhen-2, Align-GVGD) all suggest that this variant is likely to be tolerated. This variant has not been reported in the literature in individuals affected with TOP2B-related conditions. This variant is not present in population databases (gnomAD no frequency). This sequence change replaces aspartic acid, which is acidic and polar, with glutamic acid, which is acidic and polar, at codon 314 of the TOP2B protein (p.Asp314Glu).

NM_001330700.2(TOP2B):c.957T>A (p.Asp319Glu)

Gene: TOP2B (DNA topoisomerase II beta; minus strand). Cytogenetic location: 3p24.2.
Variant type: single nucleotide variant.
Coding change: c.957T>A on transcript NM_001330700.2 (MANE Select); coding-DNA position 957, T replaced by A.
Protein change: p.Asp319Glu; replaces aspartic acid 319 with glutamic acid.
Molecular consequence: missense variant.
Genome position (GRCh38, 1-based): chr3:25,633,910, A>T on the plus strand (T>A on the coding strand, the complement: TOP2B is on the minus strand). VCF-style: chr3-25633910-A-T. GRCh37 (hg19) VCF-style: chr3-25675401-A-T.
Other names: c.942T>A, p.Asp314Glu (NM_001068.3); short protein forms D314E, D319E.
Identifiers: ClinVar variation 1717284 (VCV001717284.5), dbSNP rs758545072, ClinGen allele CA351911610.